The following is an entry in ClinVar:

NM_001111067.4(ACVR1):c.141C>G (p.His47Gln)

Gene: ACVR1 (activin A receptor type 1; minus strand). Cytogenetic location: 2q24.1.
Variant type: single nucleotide variant.
Coding change: c.141C>G on transcript NM_001111067.4 (MANE Select); coding-DNA position 141, C replaced by G.
Protein change: p.His47Gln; replaces histidine 47 with glutamine.
Molecular consequence: missense variant.
Genome position (GRCh38, 1-based): chr2:157,780,527, G>C on the plus strand (C>G on the coding strand, the complement: ACVR1 is on the minus strand). VCF-style: chr2-157780527-G-C. GRCh37 (hg19) VCF-style: chr2-158637039-G-C.
Other names: c.141C>G, p.His47Gln (NM_001105.5, NM_001347663.1, NM_001347664.1 and 3 more transcripts); short protein forms H47Q.
Identifiers: ClinVar variation 331698 (VCV000331698.21), dbSNP rs34056189, ClinGen allele CA1919213.

ClinVar aggregate classification (germline): Benign/Likely benign. Review status: criteria provided, multiple submitters, no conflicts (2 of 4 stars). 8 submissions from 8 submitters: Benign (2); Likely benign (5). 1 of the submissions does not count toward it. Last evaluated 2026-07-20.

Conditions:
Multiple congenital anomalies/dysmorphic syndrome. Identifiers: Orphanet 68341, MedGen C5681310, MONDO:0019042.
Inborn genetic diseases. Identifiers: MedGen C0950123, MeSH D030342.
Progressive myositis ossificans (FOP). Also called: Progressive ossifying myositis; Fibrodysplasia Ossificans Progressiva; Myositis ossificans progressiva. Identifiers: Orphanet 337, MedGen C0016037, MONDO:0007606, OMIM 135100.
ACVR1-related disorder. Also called: ACVR1-related condition.

Allele frequency attached by ClinVar (database versions not stated): TOPMed 0.00029; gnomAD 0.00030; 1000 Genomes Project 30x 0.00016; 1000 Genomes Project 0.00020; gnomAD exomes 0.00036; ESP Exome Variant Server 0.00038; ExAC 0.00048.
gnomAD v4.1: 778 of 1,614,004 alleles (0.048%); highest among the groups gnomAD compares: Non-Finnish European, 0.062%; 2 homozygotes.

Submissions (8):

Ambry Genetics
Classification: Likely benign for Inborn genetic diseases. Last evaluated: 2026-07-20. Review status: criteria provided, single submitter. Criteria: Ambry Variant Classification Scheme 2023. Collection method: clinical testing. Allele origin: germline.

Women's Health and Genetics/Laboratory Corporation of America, LabCorp
Classification: Likely benign. Last evaluated: 2026-06-15. Review status: criteria provided, single submitter. Criteria: LabCorp Variant Classification Summary - May 2015. Collection method: clinical testing. Allele origin: germline.
Comment: Variant summary: ACVR1 c.141C>G (p.His47Gln) results in a non-conservative amino acid change in the encoded protein sequence. Algorithms developed to predict the effect of missense changes on protein structure and function are either unavailable or do not agree on the potential impact of this missense change. The variant allele was found at a frequency of 0.00048 in 1614004 control chromosomes, predominantly at a frequency of 0.00062 within the Non-Finnish European subpopulation in the gnomAD database, including 2 homozygotes. This frequency is not significantly higher than estimated for disease-causing variants in ACVR1, allowing no conclusion about variant significance, however, the presence of 2 homozygotes provides evidence for a benign role. To our knowledge, no occurrence of c.141C>G in individuals affected with ACVR1-related conditions and no experimental evidence demonstrating its impact on protein function have been reported. ClinVar contains an entry for this variant (Variation ID: 331698). Based on the evidence outlined above, the variant was classified as likely benign.

Labcorp Genetics (formerly Invitae), Labcorp
Classification: Likely benign. Last evaluated: 2025-12-21. Review status: criteria provided, single submitter. Criteria: Invitae Variant Classification Sherloc (09022015). Collection method: clinical testing. Allele origin: germline.

Blueprint Genetics
Classification: Likely benign. Last evaluated: 2024-09-10. Review status: criteria provided, single submitter. Criteria: ACMG Guidelines, 2015. Collection method: clinical testing. Allele origin: germline.

Genome-Nilou Lab
Classification: Benign for Progressive myositis ossificans. Last evaluated: 2021-12-05. Review status: criteria provided, single submitter. Criteria: ACMG Guidelines, 2015. Collection method: clinical testing. Allele origin: germline. Affected: no.

Cambridge Genomics Laboratory, East Genomic Laboratory Hub, NHS Genomic Medicine Service
Classification: Likely benign for Multiple congenital anomalies/dysmorphic syndrome. Last evaluated: 2019-06-28. Review status: criteria provided, single submitter. Criteria: ACGS Best Practice Guidelines for Variant Classification in Rare Disease 2020. Collection method: clinical testing. Allele origin: germline. Affected: yes. Observed: 1 variant allele.

Illumina Laboratory Services, Illumina
Classification: Benign for Progressive myositis ossificans. Last evaluated: 2018-01-12. Review status: criteria provided, single submitter. Criteria: ICSL Variant Classification Criteria 13 December 2019. Collection method: clinical testing. Allele origin: germline.
Comment: This variant was observed in the ICSL laboratory as part of a predisposition screen in an ostensibly healthy population. It had not been previously curated by ICSL or reported in the Human Gene Mutation Database (HGMD: prior to June 1st, 2018), and was therefore a candidate for classification through an automated scoring system. Utilizing variant allele frequency, disease prevalence and penetrance estimates, and inheritance mode, an automated score was calculated to assess if this variant is too frequent to cause the disease. Based on the score and internal cut-off values, a variant classified as benign is not then subjected to further curation. The score for this variant resulted in a classification of benign for this disease.

PreventionGenetics, part of Exact Sciences
Classification: Likely benign for ACVR1-related condition. Last evaluated: 2024-01-22. Review status: no assertion criteria provided. Collection method: clinical testing. Allele origin: germline. Not counted in ClinVar's aggregate classification.
Comment: This variant is classified as likely benign based on ACMG/AMP sequence variant interpretation guidelines (Richards et al. 2015 PMID: 25741868, with internal and published modifications).